The following is an entry in ClinVar:

ClinVar aggregate classification (germline): Uncertain significance (1 of 4 stars; one submission).

Conditions:
Fanconi anemia complementation group J. Also called: BRIP1-Related Fanconi Anemia. Identifiers: Orphanet 84, MedGen C1836860, MONDO:0012187, OMIM 609054.
Familial cancer of breast. Also called: hereditary breast carcinoma; BREAST CANCER, FAMILIAL; Hereditary breast cancer. Identifiers: Orphanet 227535, MedGen C0346153, MONDO:0016419, OMIM 114480. Disease mechanism: loss of function.

Submission:

Labcorp Genetics (formerly Invitae), Labcorp
Classification: Uncertain significance for Familial cancer of breast; Fanconi anemia complementation group J. Last evaluated: 2022-10-13. Review status: criteria provided, single submitter. Criteria: Invitae Variant Classification Sherloc (09022015). Collection method: clinical testing. Allele origin: germline.
Comment: This variant results in a copy number gain of the genomic region encompassing exon(s) 20 of the BRIP1 gene. This region includes the termination codon of the gene. This copy number gain extends beyond the assayed region for this gene and therefore may encompass additional genes. As the precise location of this event is unknown, it may be in tandem or it may be located elsewhere in the genome. This variant has not been reported in the literature in individuals affected with BRIP1-related conditions. In summary, the available evidence is currently insufficient to determine the role of this variant in disease. Therefore, it has been classified as a Variant of Uncertain Significance.

NC_000017.11:g.(?_61683296)_(61684150_?)dup

Gene: BRIP1 (BRCA1 interacting DNA helicase 1; minus strand). Cytogenetic location: 17q23.2.
Variant type: Duplication.
Identifiers: ClinVar variation 831535 (VCV000831535.3).